The following is an entry in ClinVar:

ClinVar aggregate classification (germline): Likely benign. Review status: criteria provided, multiple submitters, no conflicts (2 of 4 stars). 3 submissions from 3 submitters: Likely benign (2). 1 of the submissions does not count toward it. Last evaluated 2024-10-28.

Conditions:
YY1-related disorder. Also called: YY1-related condition.

Allele frequency attached by ClinVar (database versions not stated): 1000 Genomes Project 30x 0.00016; ESP Exome Variant Server 0.00040; gnomAD 0.00063; ExAC 0.00291.
gnomAD v4.1: 1,128 of 1,562,152 alleles (0.072%); highest among the groups gnomAD compares: Non-Finnish European, 0.091%; 2 homozygotes.

Submissions (3):

Blueprint Genetics
Classification: Likely benign. Last evaluated: 2024-10-28. Review status: criteria provided, single submitter. Criteria: ACMG Guidelines, 2015. Collection method: clinical testing. Allele origin: germline.

CeGaT Center for Human Genetics Tuebingen
Classification: Likely benign. Last evaluated: 2023-12-01. Review status: criteria provided, single submitter. Criteria: CeGaT Center For Human Genetics Tuebingen Variant Classification Criteria Version 2. Collection method: clinical testing. Allele origin: germline. Affected: yes. Observed: 4 variant alleles.
Comment: YY1: BP4, BP7

PreventionGenetics, part of Exact Sciences
Classification: Likely benign for YY1-related condition. Last evaluated: 2019-11-21. Review status: no assertion criteria provided. Collection method: clinical testing. Allele origin: germline. Not counted in ClinVar's aggregate classification.
Comment: This variant is classified as likely benign based on ACMG/AMP sequence variant interpretation guidelines (Richards et al. 2015 PMID: 25741868, with internal and published modifications).

NM_003403.5(YY1):c.9G>A (p.Ser3=)

Genes: YY1 (YY1 transcription factor; plus strand), LOC130056452 (ATAC-STARR-seq lymphoblastoid silent region 6081; plus strand). Cytogenetic location: 14q32.2.
Variant type: single nucleotide variant.
Coding change: c.9G>A on transcript NM_003403.5 (MANE Select); coding-DNA position 9, G replaced by A.
Protein change: p.Ser3=; no amino-acid change (serine 3 retained).
Molecular consequence: synonymous variant.
Genome position (GRCh38, 1-based): chr14:100,239,253, G>A. VCF-style: chr14-100239253-G-A. GRCh37 (hg19) VCF-style: chr14-100705590-G-A.
Identifiers: ClinVar variation 2644519 (VCV002644519.26), dbSNP rs199591448, ClinGen allele CA7343907.